The following is an entry in ClinVar:

NC_000004.11:g.(?_106290882)_(106377922_?)del

Gene: PPA2 (inorganic pyrophosphatase 2; minus strand). Cytogenetic location: 4q24.
Variant type: Deletion.
Identifiers: ClinVar variation 1412912 (VCV001412912.5).

ClinVar aggregate classification (germline): Uncertain significance (1 of 4 stars; one submission).

Submission:

Labcorp Genetics (formerly Invitae), Labcorp
Classification: Uncertain significance. Last evaluated: 2022-07-19. Review status: criteria provided, single submitter. Criteria: Invitae Variant Classification Sherloc (09022015). Collection method: clinical testing. Allele origin: germline.
Comment: This variant has not been reported in the literature in individuals affected with PPA2-related conditions. This variant is a gross deletion of the genomic region encompassing exon(s) 2-12 of the PPA2 gene, which includes the termination codon. This deletion extends beyond the assayed region for this gene and therefore may encompass additional genes. While this deletion is not anticipated to lead to nonsense mediated decay, it is expected to alter mRNA translation or result in a truncated protein product. Experimental studies and prediction algorithms are not available or were not evaluated, and the functional significance of this variant is currently unknown. In summary, the available evidence is currently insufficient to determine the role of this variant in disease. Therefore, it has been classified as a Variant of Uncertain Significance.